The following is an entry in ClinVar:

ClinVar aggregate classification (germline): Uncertain significance. Review status: criteria provided, multiple submitters, no conflicts (2 of 4 stars). 2 submissions from 2 submitters: Uncertain significance (2). Last evaluated 2023-12-31.

Conditions:
Inborn genetic diseases. Identifiers: MedGen C0950123, MeSH D030342.
Propionic acidemia (PROP). Also called: KETOTIC HYPERGLYCINEMIA; GLYCINEMIA, KETOTIC; HYPERGLYCINEMIA WITH KETOACIDOSIS AND LEUKOPENIA. Identifiers: Orphanet 35, MedGen C0268579, MONDO:0011628, OMIM 606054, HP:0003571.

Allele frequency attached by ClinVar (database versions not stated): gnomAD 0.00002 and 0.00003; gnomAD exomes 0.00002; ExAC 0.00003; TOPMed 0.00003; 1000 Genomes Project 30x 0.00016; 1000 Genomes Project 0.00020.
gnomAD v4.1: 25 of 1,611,066 alleles (0.0016%); highest among the groups gnomAD compares: Admixed American, 0.0033%; no homozygotes.

Submissions (2):

Ambry Genetics
Classification: Uncertain significance for Inborn genetic diseases. Last evaluated: 2023-12-31. Review status: criteria provided, single submitter. Criteria: Ambry Variant Classification Scheme 2023. Collection method: clinical testing. Allele origin: germline.

Labcorp Genetics (formerly Invitae), Labcorp
Classification: Uncertain significance for Propionic acidemia. Last evaluated: 2022-05-16. Review status: criteria provided, single submitter. Criteria: Invitae Variant Classification Sherloc (09022015). Collection method: clinical testing. Allele origin: germline.
Comment: This sequence change replaces arginine, which is basic and polar, with histidine, which is basic and polar, at codon 49 of the PCCA protein (p.Arg49His). This variant is present in population databases (rs570674073, gnomAD 0.004%). This variant has not been reported in the literature in individuals affected with PCCA-related conditions. Advanced modeling of protein sequence and biophysical properties (such as structural, functional, and spatial information, amino acid conservation, physicochemical variation, residue mobility, and thermodynamic stability) performed at Invitae indicates that this missense variant is not expected to disrupt PCCA protein function. In summary, the available evidence is currently insufficient to determine the role of this variant in disease. Therefore, it has been classified as a Variant of Uncertain Significance.

NM_000282.4(PCCA):c.146G>A (p.Arg49His)

Gene: PCCA (propionyl-CoA carboxylase subunit alpha; plus strand). Cytogenetic location: 13q32.3.
Variant type: single nucleotide variant.
Coding change: c.146G>A on transcript NM_000282.4 (MANE Select); coding-DNA position 146, G replaced by A.
Protein change: p.Arg49His; replaces arginine 49 with histidine.
Molecular consequence: missense variant. On other transcripts: 5 prime UTR variant (3), non-coding transcript variant (4), intron variant (3).
Genome position (GRCh38, 1-based): chr13:100,102,923, G>A. VCF-style: chr13-100102923-G-A. GRCh37 (hg19) VCF-style: chr13-100755177-G-A.
Other names: c.146G>A, p.Arg49His (NM_001178004.2, NM_001352605.2, NM_001352606.2 and 1 more transcripts); c.-721G>A (NM_001352610.2, NM_001352611.2, NM_001352612.2); c.106-8918G>A (NM_001127692.3, NM_001352607.2, NM_001352608.2); c.146G>A (NM_000282.3); short protein forms R49H.
Identifiers: ClinVar variation 1349130 (VCV001349130.4), dbSNP rs570674073, ClinGen allele CA7033102.